The following is an entry in ClinVar:

ClinVar aggregate classification (germline): Uncertain significance. Review status: criteria provided, multiple submitters, no conflicts (2 of 4 stars). 2 submissions from 2 submitters: Uncertain significance (2). Last evaluated 2025-10-14.

Conditions:
Retinoblastoma (RB1). Also called: RETINOBLASTOMA, SOMATIC. Identifiers: Orphanet 790, MedGen C0035335, MeSH D012175, MONDO:0008380, OMIM 180200, HP:0009919. Disease mechanism: loss of function. Inheritance: Both sporadic and heritable forms are tested..

Submissions (2):

Labcorp Genetics (formerly Invitae), Labcorp
Classification: Uncertain significance for Retinoblastoma. Last evaluated: 2025-10-14. Review status: criteria provided, single submitter. Criteria: Invitae Variant Classification Sherloc (09022015). Collection method: clinical testing. Allele origin: germline.
Comment: This sequence change replaces glutamic acid, which is acidic and polar, with glutamine, which is neutral and polar, at codon 97 of the RB1 protein (p.Glu97Gln). This variant is not present in population databases (gnomAD no frequency). This variant has not been reported in the literature in individuals affected with RB1-related conditions. Invitae Evidence Modeling of protein sequence and biophysical properties (such as structural, functional, and spatial information, amino acid conservation, physicochemical variation, residue mobility, and thermodynamic stability) indicates that this missense variant is not expected to disrupt RB1 protein function with a negative predictive value of 80%. In summary, the available evidence is currently insufficient to determine the role of this variant in disease. Therefore, it has been classified as a Variant of Uncertain Significance.

Color Diagnostics, LLC DBA Color Health
Classification: Uncertain significance for Retinoblastoma. Last evaluated: 2025-06-17. Review status: criteria provided, single submitter. Criteria: ACMG Guidelines, 2015. Collection method: clinical testing. Allele origin: germline.
Comment: This missense variant replaces glutamic acid with glutamine at codon 97 of the RB1 protein. Computational prediction suggests that this variant may not impact protein structure and function. To our knowledge, functional studies have not been reported for this variant. This variant has not been reported in individuals affected with RB1-related disorders in the literature. This variant has not been identified in the general population by the Genome Aggregation Database (gnomAD). The available evidence is insufficient to determine the role of this variant in disease conclusively. Therefore, this variant is classified as a Variant of Uncertain Significance.

NM_000321.3(RB1):c.289G>C (p.Glu97Gln)

Gene: RB1 (RB transcriptional corepressor 1; plus strand). Cytogenetic location: 13q14.2.
Variant type: single nucleotide variant.
Coding change: c.289G>C on transcript NM_000321.3 (MANE Select); coding-DNA position 289, G replaced by C.
Protein change: p.Glu97Gln; replaces glutamic acid 97 with glutamine.
Molecular consequence: missense variant.
Genome position (GRCh38, 1-based): chr13:48,342,623, G>C. VCF-style: chr13-48342623-G-C. GRCh37 (hg19) VCF-style: chr13-48916759-G-C.
Other names: c.289G>C, p.Glu97Gln (NM_001407165.1, NM_001407166.1); short protein forms E97Q.
Identifiers: ClinVar variation 4757232 (VCV004757232.2).
Genomic context (GRCh38, chr13:48,342,623, plus strand): 5'-TTAATGAAATATTTGATCTTTATTTTTTGTTCCCAGGGAGGTTATATTCAAAAGAAAAAG[G>C]AACTGTGGGGAATCTGTATCTTTATTGCAGCAGTTGACCTAGATGAGATGTCGTTCACTT-3'
Protein context (NP_000312.2, residues 87-107): VLGGYIQKKK[Glu97Gln]LWGICIFIAA